The following is an entry in ClinVar:

ClinVar aggregate classification (germline): Likely benign (0 of 4 stars; one submission).

Conditions:
PIKFYVE-related disorder. Also called: PIKFYVE-related condition.

Allele frequency attached by ClinVar (database versions not stated): gnomAD 0.00002; gnomAD exomes 0.00002; TOPMed 0.00003; ExAC 0.00005.
gnomAD v4.1: 28 of 1,614,010 alleles (0.0017%); highest among the groups gnomAD compares: Admixed American, 0.045%; no homozygotes.

Submission:

PreventionGenetics, part of Exact Sciences
Classification: Likely benign for PIKFYVE-related condition. Last evaluated: 2019-09-05. Review status: no assertion criteria provided. Collection method: clinical testing. Allele origin: germline.
Comment: This variant is classified as likely benign based on ACMG/AMP sequence variant interpretation guidelines (Richards et al. 2015 PMID: 25741868, with internal and published modifications).

NM_015040.4(PIKFYVE):c.1908C>T (p.Ile636=)

Gene: PIKFYVE (phosphoinositide kinase, FYVE-type zinc finger containing; plus strand). Cytogenetic location: 2q34.
Variant type: single nucleotide variant.
Coding change: c.1908C>T on transcript NM_015040.4 (MANE Select); coding-DNA position 1908, C replaced by T.
Protein change: p.Ile636=; no amino-acid change (isoleucine 636 retained).
Molecular consequence: synonymous variant.
Genome position (GRCh38, 1-based): chr2:208,315,274, C>T. VCF-style: chr2-208315274-C-T. GRCh37 (hg19) VCF-style: chr2-209179998-C-T.
Identifiers: ClinVar variation 3052575 (VCV003052575.2), dbSNP rs772602002, ClinGen allele CA2079675.